The following is an entry in ClinVar:

ClinVar aggregate classification (germline): Uncertain significance (1 of 4 stars; one submission).

Conditions:
Familial thoracic aortic aneurysm and aortic dissection (TAAD). Also called: Thoracic aortic aneurysms and dissections. Identifiers: Orphanet 91387, MedGen C4707243, MONDO:0019625.

Submission:

Labcorp Genetics (formerly Invitae), Labcorp
Classification: Uncertain significance for Familial thoracic aortic aneurysm and aortic dissection. Last evaluated: 2023-04-30. Review status: criteria provided, single submitter. Criteria: Invitae Variant Classification Sherloc (09022015). Collection method: clinical testing. Allele origin: germline.
Comment: In summary, the available evidence is currently insufficient to determine the role of this variant in disease. Therefore, it has been classified as a Variant of Uncertain Significance. Advanced modeling of protein sequence and biophysical properties (such as structural, functional, and spatial information, amino acid conservation, physicochemical variation, residue mobility, and thermodynamic stability) performed at Invitae indicates that this missense variant is not expected to disrupt TGFBR2 protein function. This variant has not been reported in the literature in individuals affected with TGFBR2-related conditions. This variant is not present in population databases (gnomAD no frequency). This sequence change replaces threonine, which is neutral and polar, with arginine, which is basic and polar, at codon 23 of the TGFBR2 protein (p.Thr23Arg).

NM_003242.6(TGFBR2):c.68C>G (p.Thr23Arg)

Gene: TGFBR2 (transforming growth factor beta receptor 2; plus strand). Cytogenetic location: 3p24.1.
Variant type: single nucleotide variant.
Coding change: c.68C>G on transcript NM_003242.6 (MANE Select); coding-DNA position 68, C replaced by G.
Protein change: p.Thr23Arg; replaces threonine 23 with arginine.
Molecular consequence: missense variant. On other transcripts: 5 prime UTR variant (4), intron variant (2).
Genome position (GRCh38, 1-based): chr3:30,606,951, C>G. VCF-style: chr3-30606951-C-G. GRCh37 (hg19) VCF-style: chr3-30648443-C-G.
Other names: c.68C>G, p.Thr23Arg (NM_001024847.3, NM_001407126.1, NM_001407127.1 and 4 more transcripts); c.-216C>G (NM_001407133.1); c.-94C>G (NM_001407134.1); c.-141C>G (NM_001407135.1); c.-226C>G (NM_001407136.1); c.-12+358C>G (NM_001407129.1, NM_001407132.1); short protein forms T23R.
Identifiers: ClinVar variation 3023063 (VCV003023063.3), dbSNP rs2125438793, ClinGen allele CA351830592.